The following is an entry in ClinVar:

NM_001174147.2(LMX1B):c.1124C>T (p.Ser375Phe)

Gene: LMX1B (LIM homeobox transcription factor 1 beta; plus strand). Cytogenetic location: 9q33.3.
Variant type: single nucleotide variant.
Coding change: c.1124C>T on transcript NM_001174147.2 (MANE Select); coding-DNA position 1124, C replaced by T.
Protein change: p.Ser375Phe; replaces serine 375 with phenylalanine.
Molecular consequence: missense variant.
Genome position (GRCh38, 1-based): chr9:126,696,366, C>T. VCF-style: chr9-126696366-C-T. GRCh37 (hg19) VCF-style: chr9-129458645-C-T.
Other names: c.1136C>T, p.Ser379Phe (NM_001174146.2); c.1103C>T, p.Ser368Phe (NM_002316.4); short protein forms S375F, S368F, S379F.
Identifiers: ClinVar variation 1947877 (VCV001947877.5), dbSNP rs746457595, ClinGen allele CA199817009.

ClinVar aggregate classification (germline): Uncertain significance (1 of 4 stars; one submission).

Allele frequency attached by ClinVar (database versions not stated): TOPMed 0.00002.
gnomAD v4.1: 10 of 1,614,008 alleles (0.00062%); highest among the groups gnomAD compares: Non-Finnish European, 0.00085%; no homozygotes.

Submission:

Labcorp Genetics (formerly Invitae), Labcorp
Classification: Uncertain significance. Last evaluated: 2022-02-21. Review status: criteria provided, single submitter. Criteria: Invitae Variant Classification Sherloc (09022015). Collection method: clinical testing. Allele origin: germline.
Comment: This variant is present in population databases (no rsID available, gnomAD 0.002%). This variant has not been reported in the literature in individuals affected with LMX1B-related conditions. Algorithms developed to predict the effect of missense changes on protein structure and function are either unavailable or do not agree on the potential impact of this missense change (SIFT: "Deleterious"; PolyPhen-2: "Benign"; Align-GVGD: "Class C0"). In summary, the available evidence is currently insufficient to determine the role of this variant in disease. Therefore, it has been classified as a Variant of Uncertain Significance. This sequence change replaces serine, which is neutral and polar, with phenylalanine, which is neutral and non-polar, at codon 368 of the LMX1B protein (p.Ser368Phe).